The following is an entry in ClinVar:

NM_001046.3(SLC12A2):c.1793G>A (p.Gly598Glu)

Gene: SLC12A2 (solute carrier family 12 member 2; plus strand). Cytogenetic location: 5q23.3.
Variant type: single nucleotide variant.
Coding change: c.1793G>A on transcript NM_001046.3 (MANE Select); coding-DNA position 1793, G replaced by A.
Protein change: p.Gly598Glu; replaces glycine 598 with glutamic acid.
Molecular consequence: missense variant. On other transcripts: non-coding transcript variant (1).
Genome position (GRCh38, 1-based): chr5:128,147,641, G>A. VCF-style: chr5-128147641-G-A. GRCh37 (hg19) VCF-style: chr5-127483333-G-A.
Other names: c.1793G>A, p.Gly598Glu (NM_001256461.2); short protein forms G598E.
Identifiers: ClinVar variation 4823050 (VCV004823050.4).

ClinVar aggregate classification (germline): Uncertain significance (1 of 4 stars; one submission).

Submission:

CeGaT Center for Human Genetics Tuebingen
Classification: Uncertain significance. Last evaluated: 2026-01-01. Review status: criteria provided, single submitter. Criteria: CeGaT Center For Human Genetics Tuebingen Variant Classification Criteria Version 2. Collection method: clinical testing. Allele origin: germline. Affected: yes. Observed: 1 variant allele.
Comment: SLC12A2: PM2